The following is an entry in ClinVar:

ClinVar aggregate classification (germline): Likely benign (1 of 4 stars; one submission).

Allele frequency attached by ClinVar (database versions not stated): gnomAD exomes 0.00001.
gnomAD v4.1: 4 of 1,308,172 alleles (0.00031%); highest among the groups gnomAD compares: Non-Finnish European, 0.00039%; no homozygotes.

Submission:

CeGaT Center for Human Genetics Tuebingen
Classification: Likely benign. Last evaluated: 2024-06-01. Review status: criteria provided, single submitter. Criteria: CeGaT Center For Human Genetics Tuebingen Variant Classification Criteria Version 2. Collection method: clinical testing. Allele origin: germline. Affected: yes. Observed: 1 variant allele.
Comment: CDK13: PM2:Supporting, BP4, BP7

NM_003718.5(CDK13):c.357G>A (p.Arg119=)

Genes: CDK13 (cyclin dependent kinase 13; plus strand), LOC129998292 (ATAC-STARR-seq lymphoblastoid silent region 18115; plus strand). Cytogenetic location: 7p14.1.
Variant type: single nucleotide variant.
Coding change: c.357G>A on transcript NM_003718.5 (MANE Select); coding-DNA position 357, G replaced by A.
Protein change: p.Arg119=; no amino-acid change (arginine 119 retained).
Molecular consequence: synonymous variant.
Genome position (GRCh38, 1-based): chr7:39,950,998, G>A. VCF-style: chr7-39950998-G-A. GRCh37 (hg19) VCF-style: chr7-39990597-G-A.
Other names: c.357G>A, p.Arg119= (NM_031267.4).
Identifiers: ClinVar variation 3251077 (VCV003251077.18), dbSNP rs1450928202.
Genomic context (GRCh38, chr7:39,950,998, plus strand): 5'-AGGAGGGCGGCAGAAGCGGCGTCGCGGGCCCCGCGCCGGGCAGGAGGCGGAGAAGCGTCG[G>A]GTCTTCTCGCTGCCCCAGCCGCAGCAGGACGGCGGTGGCGGTGCTAGTAGCGGCGGGGGT-3'
Protein context (NP_003709.3, residues 109-129): PRAGQEAEKR[Arg119=]VFSLPQPQQD